The following is an entry in ClinVar:

NM_004655.4(AXIN2):c.1888A>C (p.Ser630Arg)

Gene: AXIN2 (axin 2; minus strand). Cytogenetic location: 17q24.1.
Variant type: single nucleotide variant.
Coding change: c.1888A>C on transcript NM_004655.4 (MANE Select); coding-DNA position 1888, A replaced by C.
Protein change: p.Ser630Arg; replaces serine 630 with arginine.
Molecular consequence: missense variant. On other transcripts: intron variant (1).
Genome position (GRCh38, 1-based): chr17:65,536,888, T>G on the plus strand (A>C on the coding strand, the complement: AXIN2 is on the minus strand). VCF-style: chr17-65536888-T-G. GRCh37 (hg19) VCF-style: chr17-63533006-T-G.
Other names: c.1713-335A>C (NM_001363813.1); short protein forms S630R.
Identifiers: ClinVar variation 1692850 (VCV001692850.1), dbSNP rs763312277, ClinGen allele CA400676409.
Genomic context (GRCh38, chr17:65,536,888, plus strand): 5'-CCATGACCCTCGCGGCCGCGGCGGCGGCAAGCGGTGTTTACCTATGGGGCTTGGGCTTGC[T>G]CTGCCGCTCACTCTCCAGCATCCACTGCCAGACATCCTGCGACCTGTCTCCTTCCTCCCG-3'
Protein context (NP_004646.3, residues 620-640): WQWMLESERQ[Ser630Arg]KPKPHSAQST

ClinVar aggregate classification (germline): Uncertain significance (1 of 4 stars; one submission).

Conditions:
Hereditary cancer-predisposing syndrome. Also called: Hereditary neoplastic syndrome; Tumor predisposition; Neoplastic Syndromes, Hereditary; Hereditary Cancer Syndrome. Identifiers: Orphanet 140162, MedGen C0027672, MeSH D009386, MONDO:0015356.

Submission:

Sema4
Classification: Uncertain significance for Hereditary cancer-predisposing syndrome. Last evaluated: 2021-06-14. Review status: criteria provided, single submitter. Criteria: Sema4 Curation Guidelines. Collection method: curation. Allele origin: germline.
Comment: The AXIN2 c.1888A>C (p.S630R) variant has not been reported in the literature to our knowledge. It was not observed in the large and broad cohorts of the Genome Aggregation Database (PMID: 32461654). This variant has not been reported in ClinVar. In silico tools suggest the impact of the variant on protein function is benign, though these predictions have not been confirmed by functional studies. The evidence is insufficient to meet ACMG/AMP criteria for classifying the variant as benign or pathogenic. Thus, the clinical significance of this variant is currently uncertain.